The following is an entry in ClinVar:

NM_000540.3(RYR1):c.12585G>A (p.Glu4195=)

Gene: RYR1 (ryanodine receptor 1; plus strand). Cytogenetic location: 19q13.2.
Variant type: single nucleotide variant.
Coding change: c.12585G>A on transcript NM_000540.3 (MANE Select); coding-DNA position 12585, G replaced by A.
Protein change: p.Glu4195=; no amino-acid change (glutamic acid 4195 retained).
Molecular consequence: synonymous variant.
Genome position (GRCh38, 1-based): chr19:38,561,415, G>A. VCF-style: chr19-38561415-G-A. GRCh37 (hg19) VCF-style: chr19-39052055-G-A.
Other names: c.12570G>A, p.Glu4190= (NM_001042723.2).
Identifiers: ClinVar variation 2830209 (VCV002830209.4), dbSNP rs982601268, ClinGen allele CA507355391.
Genomic context (GRCh38, chr19:38,561,415, plus strand): 5'-CTACCTGGGCCGCATCGAGATCATGGGCGCGTCACGCCGCATCGAGCGCATCTACTTCGA[G>A]ATCTCAGAGACCAACCGCGCCCAGTGGGAGATGCCCCAGGTCAGGGAACCCGCGCGCGTG-3'
Protein context (NP_000531.2, residues 4185-4205): ASRRIERIYF[Glu4195=]ISETNRAQWE

ClinVar aggregate classification (germline): Likely benign. Review status: criteria provided, multiple submitters, no conflicts (2 of 4 stars). 2 submissions from 2 submitters: Likely benign (2). Last evaluated 2023-12-18.

Conditions:
RYR1-related disorder. Also called: RYR1-related condition; RYR1-related disorders. Identifiers: MedGen CN239331.
Malignant hyperthermia, susceptibility to, 1 (MHS1). Also called: Anesthesia related hyperthermia; Malignant hyperpyrexia; Fulminating hyperpyrexia; Pharmacogenic myopathy; RYR1-Related Malignant Hyperthermia Susceptibility; Malignant hyperthermia suceptibility 1. Identifiers: Orphanet 423, MedGen C2930980, MONDO:0007783, OMIM 145600.

Submissions (2):

All of Us Research Program, National Institutes of Health
Classification: Likely benign for Malignant hyperthermia, susceptibility to, 1. Last evaluated: 2023-12-18. Review status: criteria provided, single submitter. Criteria: ACMG Guidelines, 2015. Collection method: clinical testing. Allele origin: germline. Inheritance: Autosomal dominant inheritance. Observed: 1 variant allele, 1 heterozygote.
Comment: This study involves interpretation of variants in research participants for the purpose of population health screening. Participant phenotype was not available at the time of variant classification. Additional details can be found in publication PMID: 35346344, PMCID: PMC8962531

Labcorp Genetics (formerly Invitae), Labcorp
Classification: Likely benign for RYR1-related disorder. Last evaluated: 2023-05-11. Review status: criteria provided, single submitter. Criteria: Invitae Variant Classification Sherloc (09022015). Collection method: clinical testing. Allele origin: germline.